The following is an entry in ClinVar:

ClinVar aggregate classification (germline): Uncertain significance (1 of 4 stars; one submission).

Submission:

Labcorp Genetics (formerly Invitae), Labcorp
Classification: Uncertain significance. Last evaluated: 2025-04-25. Review status: criteria provided, single submitter. Criteria: Invitae Variant Classification Sherloc (09022015). Collection method: clinical testing. Allele origin: germline.
Comment: This sequence change replaces serine, which is neutral and polar, with proline, which is neutral and non-polar, at codon 607 of the MYO7A protein (p.Ser607Pro). This variant is not present in population databases (gnomAD no frequency). This variant has not been reported in the literature in individuals affected with MYO7A-related conditions. Invitae Evidence Modeling of protein sequence and biophysical properties (such as structural, functional, and spatial information, amino acid conservation, physicochemical variation, residue mobility, and thermodynamic stability) indicates that this missense variant is not expected to disrupt MYO7A protein function with a negative predictive value of 95%. In summary, the available evidence is currently insufficient to determine the role of this variant in disease. Therefore, it has been classified as a Variant of Uncertain Significance.

NM_000260.4(MYO7A):c.1819T>C (p.Ser607Pro)

Gene: MYO7A (myosin VIIA; plus strand). Cytogenetic location: 11q13.5.
Variant type: single nucleotide variant.
Coding change: c.1819T>C on transcript NM_000260.4 (MANE Select); coding-DNA position 1819, T replaced by C.
Protein change: p.Ser607Pro; replaces serine 607 with proline.
Molecular consequence: missense variant.
Genome position (GRCh38, 1-based): chr11:77,172,769, T>C. VCF-style: chr11-77172769-T-C. GRCh37 (hg19) VCF-style: chr11-76883815-T-C.
Other names: c.1819T>C, p.Ser607Pro (NM_001127180.2); c.1786T>C, p.Ser596Pro (NM_001369365.1); short protein forms S596P, S607P.
Identifiers: ClinVar variation 4776727 (VCV004776727.1).